The following is an entry in ClinVar:

ClinVar aggregate classification (germline): Uncertain significance (1 of 4 stars; one submission).

Submission:

GeneDx
Classification: Uncertain significance. Last evaluated: 2024-10-23. Review status: criteria provided, single submitter. Criteria: GeneDx Variant Classification Process June 2021. Collection method: clinical testing. Allele origin: germline. Affected: yes.
Comment: Not observed at significant frequency in large population cohorts (gnomAD); In silico analysis indicates that this missense variant does not alter protein structure/function; Has not been previously published as pathogenic or benign to our knowledge

NM_014927.5(CNKSR2):c.1589C>T (p.Pro530Leu)

Gene: CNKSR2 (connector enhancer of kinase suppressor of Ras 2; plus strand). Cytogenetic location: Xp22.12.
Variant type: single nucleotide variant.
Coding change: c.1589C>T on transcript NM_014927.5 (MANE Select); coding-DNA position 1589, C replaced by T.
Protein change: p.Pro530Leu; replaces proline 530 with leucine.
Molecular consequence: missense variant.
Genome position (GRCh38, 1-based): chrX:21,563,433, C>T. VCF-style: chrX-21563433-C-T. GRCh37 (hg19) VCF-style: chrX-21581551-C-T.
Other names: c.1499C>T, p.Pro500Leu (NM_001168647.3, NM_001330773.2); c.1589C>T, p.Pro530Leu (NM_001168648.3); c.1442C>T, p.Pro481Leu (NM_001168649.3, NM_001330770.2); c.1352C>T, p.Pro451Leu (NM_001330771.2, NM_001330772.2); short protein forms P451L, P481L, P500L, P530L.
Identifiers: ClinVar variation 3893514 (VCV003893514.1).